The following is an entry in ClinVar:

NM_020928.2(ZSWIM6):c.3152C>A (p.Thr1051Asn)

Gene: ZSWIM6 (zinc finger SWIM-type containing 6; plus strand). Cytogenetic location: 5q12.1.
Variant type: single nucleotide variant.
Coding change: c.3152C>A on transcript NM_020928.2 (MANE Select); coding-DNA position 3152, C replaced by A.
Protein change: p.Thr1051Asn; replaces threonine 1051 with asparagine.
Molecular consequence: missense variant.
Genome position (GRCh38, 1-based): chr5:61,543,821, C>A. VCF-style: chr5-61543821-C-A. GRCh37 (hg19) VCF-style: chr5-60839648-C-A.
Other names: short protein forms T1051N.
Identifiers: ClinVar variation 1516571 (VCV001516571.8), dbSNP rs2112297725, ClinGen allele CA359946971.

ClinVar aggregate classification (germline): Uncertain significance (1 of 4 stars; one submission).

Allele frequency attached by ClinVar (database versions not stated): gnomAD exomes below 0.00001.
gnomAD v4.1: 2 of 1,551,948 alleles (0.00013%); highest among the groups gnomAD compares: South Asian, 0.0024%; no homozygotes.

Submission:

Labcorp Genetics (formerly Invitae), Labcorp
Classification: Uncertain significance. Last evaluated: 2022-03-19. Review status: criteria provided, single submitter. Criteria: Invitae Variant Classification Sherloc (09022015). Collection method: clinical testing. Allele origin: germline.
Comment: In summary, the available evidence is currently insufficient to determine the role of this variant in disease. Therefore, it has been classified as a Variant of Uncertain Significance. Algorithms developed to predict the effect of missense changes on protein structure and function are either unavailable or do not agree on the potential impact of this missense change (SIFT: "Tolerated"; PolyPhen-2: "Possibly Damaging"; Align-GVGD: "Class C0"). This variant has not been reported in the literature in individuals affected with ZSWIM6-related conditions. This variant is not present in population databases (gnomAD no frequency). This sequence change replaces threonine, which is neutral and polar, with asparagine, which is neutral and polar, at codon 1051 of the ZSWIM6 protein (p.Thr1051Asn).